The following is an entry in ClinVar:

ClinVar aggregate classification (germline): Conflicting classifications of pathogenicity. Review status: criteria provided, conflicting classifications (1 of 4 stars). 2 submissions from 2 submitters: Uncertain significance (1); Benign (1). Last evaluated 2019-12-31.

Allele frequency attached by ClinVar (database versions not stated): ESP Exome Variant Server 0.00423; TOPMed 0.00496; 1000 Genomes Project 0.00579; 1000 Genomes Project 30x 0.00593; gnomAD 0.00604 and 0.00608; gnomAD exomes 0.00658 and 0.00715; ExAC 0.00744.

Submissions (2):

Labcorp Genetics (formerly Invitae), Labcorp
Classification: Benign. Last evaluated: 2019-12-31. Review status: criteria provided, single submitter. Criteria: Invitae Variant Classification Sherloc (09022015). Collection method: clinical testing. Allele origin: germline.

Center for Pediatric Genomic Medicine, Children's Mercy Hospital and Clinics
Classification: Uncertain significance. Last evaluated: 2017-02-13. Review status: criteria provided, single submitter. Criteria: ACMG Guidelines, 2015. Collection method: clinical testing. Allele origin: germline.
ClinVar note: Converted during submission from Uncertain Significance to Uncertain significance.

NM_017429.3(BCO1):c.1622G>A (p.Cys541Tyr)

Gene: BCO1 (beta-carotene oxygenase 1; plus strand). Cytogenetic location: 16q23.2.
Variant type: single nucleotide variant.
Coding change: c.1622G>A on transcript NM_017429.3 (MANE Select); coding-DNA position 1622, G replaced by A.
Protein change: p.Cys541Tyr; replaces cysteine 541 with tyrosine.
Molecular consequence: missense variant.
Genome position (GRCh38, 1-based): chr16:81,290,555, G>A. VCF-style: chr16-81290555-G-A. GRCh37 (hg19) VCF-style: chr16-81324160-G-A.
Other names: short protein forms C541Y.
Identifiers: ClinVar variation 377022 (VCV000377022.8), dbSNP rs141781255, ClinGen allele CA8191199.